The following is an entry in ClinVar:

NM_001083116.3(PRF1):c.163C>T (p.Arg55Cys)

Gene: PRF1 (perforin 1; minus strand). Cytogenetic location: 10q22.1.
Variant type: single nucleotide variant.
Coding change: c.163C>T on transcript NM_001083116.3 (MANE Select); coding-DNA position 163, C replaced by T.
Protein change: p.Arg55Cys; replaces arginine 55 with cysteine.
Molecular consequence: missense variant.
Genome position (GRCh38, 1-based): chr10:70,600,740, G>A on the plus strand (C>T on the coding strand, the complement: PRF1 is on the minus strand). VCF-style: chr10-70600740-G-A. GRCh37 (hg19) VCF-style: chr10-72360496-G-A.
Other names: p.Arg55Cys; c.163C>T, p.Arg55Cys (NM_005041.6); short protein forms R55C.
Identifiers: ClinVar variation 665146 (VCV000665146.10), dbSNP rs201032696, ClinGen allele CA5539111.
Genomic context (GRCh38, chr10:70,600,740, plus strand): 5'-GGGTGCAGGTGCCGTCGGGCCGCAGGAACCTTTGTGTGTCCACTGGGAAGGAGCCCGAGC[G>A]GCGGAGGCTGGTCACGTCCACACCCTCCCCGGCCAGCCATGCACCAGGCACGAACTTGTG-3'
Protein context (NP_001076585.1, residues 45-65): GEGVDVTSLR[Arg55Cys]SGSFPVDTQR

ClinVar aggregate classification (germline): Conflicting classifications of pathogenicity. Review status: criteria provided, conflicting classifications (1 of 4 stars). 5 submissions from 5 submitters: Likely pathogenic (1); Uncertain significance (4). Last evaluated 2026-01-17.

Conditions:
Familial hemophagocytic lymphohistiocytosis 2 (FHL2). Also called: PRF1-Related Familial Hemophagocytic Lymphohistiocytosis (PRF1-fHLH). Identifiers: Orphanet 540, MedGen C1863727, MONDO:0011337, OMIM 603553.
Pelizaeus-Merzbacher disease. Also called: Pelizeaus-Merzbacher spectrum disorder; Pelizaeus-Merzbacher spectrum disorder; Pelizaeus-Merzbacher Disease (PMD); LEUKODYSTROPHY, HYPOMYELINATING, 1; Sudanophilic leukodystrophy. Identifiers: Orphanet 702, MedGen C0205711, MONDO:0010714, OMIM 312080, HP:0003269.

Allele frequency attached by ClinVar (database versions not stated): gnomAD exomes 0.00006 and 0.00023; ExAC 0.00014; 1000 Genomes Project 30x 0.00016; 1000 Genomes Project 0.00020; gnomAD 0.00029; TOPMed 0.00046.

Submissions (5):

Labcorp Genetics (formerly Invitae), Labcorp
Classification: Likely pathogenic for Familial hemophagocytic lymphohistiocytosis 2. Last evaluated: 2026-01-17. Review status: criteria provided, single submitter. Criteria: Invitae Variant Classification Sherloc (09022015). Collection method: clinical testing. Allele origin: germline.
Comment: This sequence change replaces arginine, which is basic and polar, with cysteine, which is neutral and slightly polar, at codon 55 of the PRF1 protein (p.Arg55Cys). This variant is present in population databases (rs201032696, gnomAD 0.2%), including at least one homozygous and/or hemizygous individual. This missense change has been observed in individual(s) with hemophagocytic lymphohistiocytosis (PMID: 33869605). In at least one individual the data is consistent with being in trans (on the opposite chromosome) from a pathogenic variant. ClinVar contains an entry for this variant (Variation ID: 665146). Invitae Evidence Modeling of protein sequence and biophysical properties (such as structural, functional, and spatial information, amino acid conservation, physicochemical variation, residue mobility, and thermodynamic stability) indicates that this missense variant is expected to disrupt PRF1 protein function with a positive predictive value of 95%. In summary, the currently available evidence indicates that the variant is pathogenic, but additional data are needed to prove that conclusively. Therefore, this variant has been classified as Likely Pathogenic.

Women's Health and Genetics/Laboratory Corporation of America, LabCorp
Classification: Uncertain significance. Last evaluated: 2025-12-02. Review status: criteria provided, single submitter. Criteria: LabCorp Variant Classification Summary - May 2015. Collection method: clinical testing. Allele origin: germline.
Comment: Variant summary: PRF1 c.163C>T (p.Arg55Cys) results in a non-conservative amino acid change in the encoded protein sequence. Algorithms developed to predict the effect of missense changes on protein structure and function all suggest that this variant is likely to be disruptive. The variant allele was found at a frequency of 0.00023 in 248634 control chromosomes in the gnomAD database, including 1 homozygote. This frequency is not significantly higher than estimated for disease-causing variants in PRF1, allowing no conclusion about variant significance. c.163C>T has been observed in an individual affected with Familial Hemophagocytic Lymphohistiocytosis (Liu_2021). These data do not allow any conclusion about variant significance. To our knowledge, no experimental evidence demonstrating an impact on protein function has been reported. The following publication has been ascertained in the context of this evaluation (PMID: 33869605). ClinVar contains an entry for this variant (Variation ID: 665146). Based on the evidence outlined above, the variant was classified as uncertain significance.

Johns Hopkins Genomics, Johns Hopkins University
Classification: Uncertain significance for Pelizaeus-Merzbacher disease. Last evaluated: 2025-06-24. Review status: criteria provided, single submitter. Criteria: ACMG Guidelines, 2015. Collection method: clinical testing. Allele origin: germline.
Comment: This PRF1 variant (rs201032696) has been identified in a large population dataset and the minor allele frequency is neither low enough to consider the variant rare (<0.1%) nor high enough to consider it a population polymorphism (>1%) within the Admixed American subpopulation (gnomADv4.1.0: 127/59984 alleles; 0.2%, 3 homozygotes). This variant has been reported in ClinVar (Variation ID: 665146). In addition, this missense change has been reported in a compound heterozygous state with a pathogenic PRF1 variant in at least one individual with hemophagocytic lymphohistiocytosis. Two bioinformatic tools queried predict that this substitution would be damaging (SIFT: 0, PP2HumVar: 0.993), and the arginine residue at this position is mostly conserved across the vertebrate species assessed. Bioinformatic analysis predicts that this missense variant would not affect normal exon 2 splicing, although this has not been confirmed experimentally to our knowledge. We consider the clinical significance of c.163C>T to be uncertain at this time.

Mayo Clinic Laboratories, Mayo Clinic
Classification: Uncertain significance. Last evaluated: 2025-05-05. Review status: criteria provided, single submitter. Criteria: ACMG Guidelines, 2015. Collection method: clinical testing. Allele origin: germline. Observed: 1 variant allele.
Comment: PM3

Blueprint Genetics
Classification: Uncertain significance. Last evaluated: 2024-02-23. Review status: criteria provided, single submitter. Criteria: ACMG Guidelines, 2015. Collection method: clinical testing. Allele origin: germline.

Literature cited by the submitters: PubMed 33869605 (cited by 4 submitters); PubMed 19595804 (cited by Johns Hopkins Genomics, Johns Hopkins University); PubMed 23073042 (cited by Johns Hopkins Genomics, Johns Hopkins University); PubMed 26199792 (cited by Johns Hopkins Genomics, Johns Hopkins University).